The following is an entry in ClinVar:

NM_014208.3(DSPP):c.49C>T (p.Pro17Ser)

Genes: DMP1-AS1 (DMP1 and DSPP antisense RNA 1; minus strand), DSPP (dentin sialophosphoprotein; plus strand). Cytogenetic location: 4q22.1.
Variant type: single nucleotide variant.
Coding change: c.49C>T on transcript NM_014208.3 (MANE Select); coding-DNA position 49, C replaced by T.
Protein change: p.Pro17Ser; replaces proline 17 with serine.
Molecular consequence: missense variant.
Genome position (GRCh38, 1-based): chr4:87,610,957, C>T. VCF-style: chr4-87610957-C-T. GRCh37 (hg19) VCF-style: chr4-88532109-C-T.
Other names: short protein forms P17S.
Identifiers: ClinVar variation 1458861 (VCV001458861.9), dbSNP rs121912986, ClinGen allele CA357601919.

ClinVar aggregate classification (germline): Pathogenic. Review status: criteria provided, multiple submitters, no conflicts (2 of 4 stars). 2 submissions from 2 submitters: Pathogenic (2). Last evaluated 2026-08-04.

Conditions:
DSPP-related disorder. Also called: DSPP-related condition.

Allele frequency attached by ClinVar (database versions not stated): gnomAD exomes below 0.00001.

Submissions (2):

PreventionGenetics, part of Exact Sciences
Classification: Pathogenic for DSPP-related condition. Last evaluated: 2026-08-04. Review status: criteria provided, single submitter. Criteria: ACMG Guidelines, 2015. Collection method: clinical testing. Allele origin: germline.
Comment: The DSPP c.49C>T variant is predicted to result in the amino acid substitution p.Pro17Ser. This variant has been reported in individuals with dentinogenesis imperfecta (DGI) type II (Zhang et al. 2007. PubMed ID: 17686168; McKnight et al. 2008. PubMed ID: 18521831) and has been shown to segregate with disease in a family with DGI type II (Zhang et al. 2007. PubMed ID: 17686168). Alternate missense substitutions affecting the same amino acid (p.Pro17Leu and p.Pro17Thr) have also been reported in families with DGI type I/II and in vitro functional studies support the pathogenicity (Lee et al. 2013. PubMed ID: 23509818 ; Li et al. 2012. PubMed ID: 22310900; Xiao et al. 2001. PubMed ID: 11175790; Simmer et al. 2022. PubMed ID: 35627243). The c.49C>T (p.Pro17Ser) variant is reported in 0.0065% of alleles in individuals of African descent in gnomAD. This variant is interpreted as pathogenic.

Labcorp Genetics (formerly Invitae), Labcorp
Classification: Pathogenic. Last evaluated: 2024-02-14. Review status: criteria provided, single submitter. Criteria: Invitae Variant Classification Sherloc (09022015). Collection method: clinical testing. Allele origin: germline.
Comment: This sequence change replaces proline, which is neutral and non-polar, with serine, which is neutral and polar, at codon 17 of the DSPP protein (p.Pro17Ser). This variant is present in population databases (no rsID available, gnomAD 0.007%). This missense change has been observed in individuals with dentinogenesis imperfecta (PMID: 17686168, 18521831; Invitae). It has also been observed to segregate with disease in related individuals. ClinVar contains an entry for this variant (Variation ID: 1458861). An algorithm developed to predict the effect of missense changes on protein structure and function (PolyPhen-2) suggests that this variant is likely to be disruptive. For these reasons, this variant has been classified as Pathogenic.

Literature cited by the submitters: PubMed 17686168 (cited by Labcorp Genetics (formerly Invitae), Labcorp); PubMed 18521831 (cited by Labcorp Genetics (formerly Invitae), Labcorp).